The following is an entry in ClinVar:

ClinVar aggregate classification (germline): Pathogenic (3 of 4 stars; one submission).

Conditions:
Lynch syndrome. Identifiers: Orphanet 144, MedGen C4552100, MONDO:0005835. Disease mechanism: loss of function.

gnomAD v4.1: 1 of 1,614,192 alleles (0.000062%); highest among the groups gnomAD compares: Non-Finnish European, 0.000085%; no homozygotes.

Submission:

International Society for Gastrointestinal Hereditary Tumours (InSiGHT)
Classification: Pathogenic for Lynch Syndrome. Last evaluated: 2013-09-05. Review status: reviewed by expert panel. Criteria: Guidelines v1.9. Collection method: research. Allele origin: germline.
Comment: Coding sequence variation resulting in a stop codon

Classified with v1.9 guidelines

NM_000179.3(MSH6):c.2714T>A (p.Leu905Ter)

Gene: MSH6 (mutS homolog 6; plus strand). Cytogenetic location: 2p16.3.
Variant type: single nucleotide variant.
Coding change: c.2714T>A on transcript NM_000179.3 (MANE Select); coding-DNA position 2714, T replaced by A.
Protein change: p.Leu905Ter; replaces leucine 905 with a stop codon.
Molecular consequence: nonsense.
Genome position (GRCh38, 1-based): chr2:47,800,697, T>A. VCF-style: chr2-47800697-T-A. GRCh37 (hg19) VCF-style: chr2-48027836-T-A.
Other names: c.2324T>A, p.Leu775Ter (NM_001281492.2); c.1808T>A, p.Leu603Ter (NM_001281493.2, NM_001281494.2); short protein forms L905*, L775*, L603*.
Identifiers: ClinVar variation 89310 (VCV000089310.2), dbSNP rs587779245, ClinGen allele CA010781.
Genomic context (GRCh38, chr2:47,800,697, plus strand): 5'-AAATCCTTAAGCAGGTCATCTCTCTGCAGACAAAAAATCCTGAAGGTCGTTTTCCTGATT[T>A]GACTGTAGAATTGAACCGATGGGATACAGCCTTTGACCATGAAAAGGCTCGAAAGACTGG-3'